The following is an entry in ClinVar:

NM_020066.5(FMN2):c.3231G>T (p.Pro1077=)

Gene: FMN2 (formin 2; plus strand). Cytogenetic location: 1q43.
Variant type: single nucleotide variant.
Coding change: c.3231G>T on transcript NM_020066.5 (MANE Select); coding-DNA position 3231, G replaced by T.
Protein change: p.Pro1077=; no amino-acid change (proline 1077 retained).
Molecular consequence: synonymous variant. On other transcripts: intron variant (1).
Genome position (GRCh38, 1-based): chr1:240,208,043, G>T. VCF-style: chr1-240208043-G-T. GRCh37 (hg19) VCF-style: chr1-240371343-G-T.
Other names: c.3243G>T, p.Pro1081= (NM_001305424.2); c.1986+19781G>T (NM_001348094.2); c.3231G>T (NM_020066.4).
Identifiers: ClinVar variation 2640175 (VCV002640175.26), dbSNP rs200416403, ClinGen allele CA1477047.

ClinVar aggregate classification (germline): Likely benign. Review status: criteria provided, multiple submitters, no conflicts (2 of 4 stars). 3 submissions from 3 submitters: Likely benign (2). 1 of the submissions does not count toward it. Last evaluated 2024-12-01.

Conditions:
FMN2-related disorder. Also called: FMN2-related condition.

Allele frequency attached by ClinVar (database versions not stated): gnomAD 0.00026.

Submissions (3):

CeGaT Center for Human Genetics Tuebingen
Classification: Likely benign. Last evaluated: 2024-12-01. Review status: criteria provided, single submitter. Criteria: CeGaT Center For Human Genetics Tuebingen Variant Classification Criteria Version 2. Collection method: clinical testing. Allele origin: germline. Affected: yes. Observed: 5 variant alleles.
Comment: FMN2: BP4, BP7, BS1

Blueprint Genetics
Classification: Likely benign. Last evaluated: 2024-06-27. Review status: criteria provided, single submitter. Criteria: ACMG Guidelines, 2015. Collection method: clinical testing. Allele origin: germline.

PreventionGenetics, part of Exact Sciences
Classification: Likely benign for FMN2-related condition. Last evaluated: 2020-09-13. Review status: no assertion criteria provided. Collection method: clinical testing. Allele origin: germline. Not counted in ClinVar's aggregate classification.
Comment: This variant is classified as likely benign based on ACMG/AMP sequence variant interpretation guidelines (Richards et al. 2015 PMID: 25741868, with internal and published modifications).